The following is an entry in ClinVar:

NM_001292063.2(OTOG):c.3709+1G>C

Gene: OTOG (otogelin; plus strand). Cytogenetic location: 11p15.1.
Variant type: single nucleotide variant.
Coding change: c.3709+1G>C on transcript NM_001292063.2 (MANE Select); the canonical splice donor site of the intron after coding-DNA position 3709, G replaced by C.
Molecular consequence: splice donor variant.
Genome position (GRCh38, 1-based): chr11:17,599,698, G>C. VCF-style: chr11-17599698-G-C. GRCh37 (hg19) VCF-style: chr11-17621245-G-C.
Other names: c.3745+1G>C (NM_001277269.2).
Identifiers: ClinVar variation 3697117 (VCV003697117.2).

ClinVar aggregate classification (germline): Likely pathogenic (1 of 4 stars; one submission).

gnomAD v4.1: 2 of 1,550,500 alleles (0.00013%); highest among the groups gnomAD compares: African/African-American, 0.0027%; no homozygotes.

Submission:

Labcorp Genetics (formerly Invitae), Labcorp
Classification: Likely pathogenic. Last evaluated: 2025-06-12. Review status: criteria provided, single submitter. Criteria: Invitae Variant Classification Sherloc (09022015). Collection method: clinical testing. Allele origin: germline.
Comment: This sequence change affects a donor splice site in intron 30 of the OTOG gene. It is expected to disrupt RNA splicing. Variants that disrupt the donor or acceptor splice site typically lead to a loss of protein function (PMID: 16199547), and loss-of-function variants in OTOG are known to be pathogenic (PMID: 23122587). This variant is not present in population databases (gnomAD no frequency). This variant has not been reported in the literature in individuals affected with OTOG-related conditions. ClinVar contains an entry for this variant (Variation ID: 3697117). Algorithms developed to predict the effect of sequence changes on RNA splicing suggest that this variant may disrupt the consensus splice site. In summary, the currently available evidence indicates that the variant is pathogenic, but additional data are needed to prove that conclusively. Therefore, this variant has been classified as Likely Pathogenic.

Literature cited by the submitters: PubMed 16199547; PubMed 23122587.